The following is an entry in ClinVar:

ClinVar aggregate classification (germline): Uncertain significance (1 of 4 stars; one submission).

Allele frequency attached by ClinVar (database versions not stated): gnomAD exomes below 0.00001; gnomAD 0.00001; ExAC 0.00002.
gnomAD v4.1: 2 of 1,596,786 alleles (0.00013%); highest among the groups gnomAD compares: African/African-American, 0.0027%; no homozygotes.

Submission:

Labcorp Genetics (formerly Invitae), Labcorp
Classification: Uncertain significance. Last evaluated: 2022-11-20. Review status: criteria provided, single submitter. Criteria: Invitae Variant Classification Sherloc (09022015). Collection method: clinical testing. Allele origin: germline.
Comment: This variant has not been reported in the literature in individuals affected with PLEKHM2-related conditions. In summary, the available evidence is currently insufficient to determine the role of this variant in disease. Therefore, it has been classified as a Variant of Uncertain Significance. Algorithms developed to predict the effect of missense changes on protein structure and function are either unavailable or do not agree on the potential impact of this missense change (SIFT: "Tolerated"; PolyPhen-2: "Probably Damaging"; Align-GVGD: "Class C0"). The frequency data for this variant in the population databases is considered unreliable, as metrics indicate poor data quality at this position in the gnomAD database. This sequence change replaces proline, which is neutral and non-polar, with serine, which is neutral and polar, at codon 423 of the PLEKHM2 protein (p.Pro423Ser).

NM_015164.4(PLEKHM2):c.1267C>T (p.Pro423Ser)

Gene: PLEKHM2 (pleckstrin homology and RUN domain containing M2; plus strand). Cytogenetic location: 1p36.21.
Variant type: single nucleotide variant.
Coding change: c.1267C>T on transcript NM_015164.4 (MANE Select); coding-DNA position 1267, C replaced by T.
Protein change: p.Pro423Ser; replaces proline 423 with serine.
Molecular consequence: missense variant.
Genome position (GRCh38, 1-based): chr1:15,727,339, C>T. VCF-style: chr1-15727339-C-T. GRCh37 (hg19) VCF-style: chr1-16053834-C-T.
Other names: c.1207C>T, p.Pro403Ser (NM_001410755.1); short protein forms P403S, P423S.
Identifiers: ClinVar variation 3022058 (VCV003022058.3), dbSNP rs762387406, ClinGen allele CA616900.